The following is an entry in ClinVar:

NM_000059.4(BRCA2):c.3070A>G (p.Ile1024Val)

Gene: BRCA2 (BRCA2 DNA repair associated; plus strand). Cytogenetic location: 13q13.1.
Variant type: single nucleotide variant.
Coding change: c.3070A>G on transcript NM_000059.4 (MANE Select); coding-DNA position 3070, A replaced by G.
Protein change: p.Ile1024Val; replaces isoleucine 1024 with valine.
Molecular consequence: missense variant.
Genome position (GRCh38, 1-based): chr13:32,337,425, A>G. VCF-style: chr13-32337425-A-G. GRCh37 (hg19) VCF-style: chr13-32911562-A-G.
Other names: p.Ile1024Val; short protein forms I1024V.
Identifiers: ClinVar variation 232307 (VCV000232307.21), dbSNP rs876659687, ClinGen allele CA10579563.
Genomic context (GRCh38, chr13:32,337,425, plus strand): 5'-AGTTTTGGAGGTAGCTTCAGAACAGCTTCAAATAAGGAAATCAAGCTCTCTGAACATAAC[A>G]TTAAGAAGAGCAAAATGTTCTTCAAAGATATTGAAGAACAATATCCTACTAGTTTAGCTT-3'
Protein context (NP_000050.3, residues 1014-1034): NKEIKLSEHN[Ile1024Val]KKSKMFFKDI

ClinVar aggregate classification (germline): Conflicting classifications of pathogenicity. Review status: criteria provided, conflicting classifications (1 of 4 stars). 6 submissions from 6 submitters: Uncertain significance (5); Likely benign (1). Last evaluated 2026-02-09.

Conditions:
Hereditary cancer-predisposing syndrome. Also called: Tumor predisposition; Neoplastic Syndromes, Hereditary; Hereditary Cancer Syndrome; Hereditary neoplastic syndrome. Identifiers: Orphanet 140162, MedGen C0027672, MeSH D009386, MONDO:0015356.
Hereditary breast ovarian cancer syndrome. Also called: Hereditary breast and ovarian cancer; Hereditary breast and/or ovarian cancer syndrome; Hereditary breast and ovarian cancer syndrome (HBOC); Hereditary breast and ovarian cancer syndrome; Breast and ovarian cancer; BRCA1- and BRCA2-Associated Hereditary Breast and Ovarian Cancer. Identifiers: Orphanet 145, MedGen C0677776, MeSH D061325, MONDO:0003582. Disease mechanism: loss of function.

gnomAD v4.1: 1 of 1,613,222 alleles (0.000062%); highest among the groups gnomAD compares: Non-Finnish European, 0.000085%; no homozygotes.

Submissions (6):

Women's Health and Genetics/Laboratory Corporation of America, LabCorp
Classification: Uncertain significance. Last evaluated: 2026-02-09. Review status: criteria provided, single submitter. Criteria: LabCorp Variant Classification Summary - May 2015. Collection method: clinical testing. Allele origin: germline.
Comment: Variant summary: BRCA2 c.3070A>G (p.Ile1024Val) results in a conservative amino acid change in the encoded protein sequence. Algorithms developed to predict the effect of missense changes on protein structure and function all suggest that this variant is likely to be tolerated. The variant was absent in 250104 control chromosomes. The available data on variant occurrences in the general population are insufficient to allow any conclusion about variant significance. c.3070A>G has been observed in one individual affected with ovarian cancer (Kowalik_2019, Kowalik_2019). These report(s) do not provide unequivocal conclusions about association of the variant with Hereditary Breast And Ovarian Cancer Syndrome. To our knowledge, no experimental evidence demonstrating an impact on protein function has been reported. The following publications have been ascertained in the context of this evaluation (PMID: 31556562, 30040829). ClinVar contains an entry for this variant (Variation ID: 232307). Based on the evidence outlined above, the variant was classified as uncertain significance.

Labcorp Genetics (formerly Invitae), Labcorp
Classification: Uncertain significance for Hereditary breast ovarian cancer syndrome. Last evaluated: 2025-09-12. Review status: criteria provided, single submitter. Criteria: Invitae Variant Classification Sherloc (09022015). Collection method: clinical testing. Allele origin: germline.
Comment: This sequence change replaces isoleucine, which is neutral and non-polar, with valine, which is neutral and non-polar, at codon 1024 of the BRCA2 protein (p.Ile1024Val). This variant is not present in population databases (gnomAD no frequency). This variant has not been reported in the literature in individuals affected with BRCA2-related conditions. ClinVar contains an entry for this variant (Variation ID: 232307). Invitae Evidence Modeling of protein sequence and biophysical properties (such as structural, functional, and spatial information, amino acid conservation, physicochemical variation, residue mobility, and thermodynamic stability) indicates that this missense variant is not expected to disrupt BRCA2 protein function with a negative predictive value of 95%. In summary, the available evidence is currently insufficient to determine the role of this variant in disease. Therefore, it has been classified as a Variant of Uncertain Significance.

Ambry Genetics
Classification: Uncertain significance for Hereditary cancer-predisposing syndrome. Last evaluated: 2024-11-12. Review status: criteria provided, single submitter. Criteria: Ambry Variant Classification Scheme 2023. Collection method: clinical testing. Allele origin: germline.
Comment: The p.I1024V variant (also known as c.3070A>G), located in coding exon 10 of the BRCA2 gene, results from an A to G substitution at nucleotide position 3070. The isoleucine at codon 1024 is replaced by valine, an amino acid with highly similar properties. This alteration has been identified in multiple individuals diagnosed with breast and/or ovarian cancer (Grigore LG et al. Curr Issues Mol Biol, 2024 May;46:4630-4645; Stella S et al. Genes (Basel), 2024 Jul;15:). This amino acid position is not well conserved in available vertebrate species. In addition, this alteration is predicted to be tolerated by in silico analysis. Based on the available evidence, the clinical significance of this variant remains unclear.

Mayo Clinic Laboratories, Mayo Clinic
Classification: Uncertain significance. Last evaluated: 2023-06-28. Review status: criteria provided, single submitter. Criteria: ACMG Guidelines, 2015. Collection method: clinical testing. Allele origin: germline. Observed: 1 variant allele.
Comment: BP5, PM2

University of Washington Department of Laboratory Medicine, University of Washington
Classification: Likely benign for Hereditary cancer-predisposing syndrome. Last evaluated: 2023-03-23. Review status: criteria provided, single submitter. Criteria: Dines et al. (Genet Med. 2020). Collection method: curation. Allele origin: germline.
Comment: Missense variant in a coldspot region where missense variants are very unlikely to be pathogenic (PMID:31911673).

BRCA2 exon 11 coldspot. Reclassification based on statistical prior probability.

Color Diagnostics, LLC DBA Color Health
Classification: Uncertain significance for Hereditary cancer-predisposing syndrome. Last evaluated: 2022-09-06. Review status: criteria provided, single submitter. Criteria: ACMG Guidelines, 2015. Collection method: clinical testing. Allele origin: germline.
Comment: This missense variant replaces isoleucine with valine at codon 1024 of the BRCA2 protein. Computational prediction suggests that this variant may not impact protein structure and function (internally defined REVEL score threshold <= 0.5, PMID: 27666373). To our knowledge, functional studies have not been reported for this variant. This variant has been reported in an individual affected with ovarian cancer (PMID: 31556562). This variant has not been identified in the general population by the Genome Aggregation Database (gnomAD). The available evidence is insufficient to determine the role of this variant in disease conclusively. Therefore, this variant is classified as a Variant of Uncertain Significance.

Literature cited by the submitters: PubMed 30040829 (cited by Women's Health and Genetics/Laboratory Corporation of America, LabCorp); PubMed 31556562 (cited by Women's Health and Genetics/Laboratory Corporation of America, LabCorp and Color Diagnostics, LLC DBA Color Health); PubMed 38785549 (cited by Ambry Genetics); PubMed 39062721 (cited by Ambry Genetics).